The following is an entry in ClinVar:

NM_019851.3(FGF20):c.129G>A (p.Ala43=)

Genes: FGF20 (fibroblast growth factor 20; minus strand), LOC129999926 (ATAC-STARR-seq lymphoblastoid silent region 18958; plus strand). Cytogenetic location: 8p22.
Variant type: single nucleotide variant.
Coding change: c.129G>A on transcript NM_019851.3 (MANE Select); coding-DNA position 129, G replaced by A.
Protein change: p.Ala43=; no amino-acid change (alanine 43 retained).
Molecular consequence: synonymous variant.
Genome position (GRCh38, 1-based): chr8:17,001,904, C>T on the plus strand (G>A on the coding strand, the complement: FGF20 is on the minus strand). VCF-style: chr8-17001904-C-T. GRCh37 (hg19) VCF-style: chr8-16859413-C-T.
Identifiers: ClinVar variation 5040593 (VCV005040593.1).

ClinVar aggregate classification (germline): Likely benign (1 of 4 stars; one submission).

gnomAD v4.1: 1 of 1,467,206 alleles (0.000068%); no homozygotes.

Submission:

CeGaT Center for Human Genetics Tuebingen
Classification: Likely benign. Last evaluated: 2026-08-01. Review status: criteria provided, single submitter. Criteria: CeGaT Center For Human Genetics Tuebingen Variant Classification Criteria Version 2. Collection method: clinical testing. Allele origin: germline. Affected: yes. Observed: 1 variant allele.
Comment: FGF20: BP4, BP7